The following is an entry in ClinVar:

NM_001257180.2(SLC20A2):c.431-2A>T

Gene: SLC20A2 (solute carrier family 20 member 2; minus strand). Cytogenetic location: 8p11.21.
Variant type: single nucleotide variant.
Coding change: c.431-2A>T on transcript NM_001257180.2 (MANE Select); the canonical splice acceptor site of the intron before coding-DNA position 431, A replaced by T.
Molecular consequence: splice acceptor variant.
Genome position (GRCh38, 1-based): chr8:42,463,092, T>A on the plus strand (A>T on the coding strand, the complement: SLC20A2 is on the minus strand). VCF-style: chr8-42463092-T-A. GRCh37 (hg19) VCF-style: chr8-42320610-T-A.
Other names: c.431-2A>T (NM_006749.5, NM_001257181.2).
Identifiers: ClinVar variation 3234792 (VCV003234792.20), dbSNP rs2487524655, ClinGen allele CA371086501.

ClinVar aggregate classification (germline): Pathogenic (1 of 4 stars; one submission).

Allele frequency attached by ClinVar (database versions not stated): gnomAD exomes below 0.00001.
gnomAD v4.1: 1 of 1,556,262 alleles (0.000064%); highest among the groups gnomAD compares: Non-Finnish European, 0.000088%; no homozygotes.

Submission:

CeGaT Center for Human Genetics Tuebingen
Classification: Pathogenic. Last evaluated: 2024-04-01. Review status: criteria provided, single submitter. Criteria: CeGaT Center For Human Genetics Tuebingen Variant Classification Criteria Version 2. Collection method: clinical testing. Allele origin: germline. Affected: yes. Observed: 1 variant allele.
Comment: SLC20A2: PVS1, PM2